The following is an entry in ClinVar:

ClinVar aggregate classification (germline): Uncertain significance (1 of 4 stars; one submission).

Conditions:
Vici syndrome (VICIS). Identifiers: Orphanet 1493, MedGen C1855772, MONDO:0009452, OMIM 242840.

Allele frequency attached by ClinVar (database versions not stated): gnomAD exomes 0.00003 and 0.00005; ExAC 0.00004; gnomAD 0.00005; TOPMed 0.00005.
gnomAD v4.1: 52 of 1,613,756 alleles (0.0032%); highest among the groups gnomAD compares: Admixed American, 0.018%; no homozygotes.

Submission:

Labcorp Genetics (formerly Invitae), Labcorp
Classification: Uncertain significance for Vici syndrome. Last evaluated: 2025-11-12. Review status: criteria provided, single submitter. Criteria: Invitae Variant Classification Sherloc (09022015). Collection method: clinical testing. Allele origin: germline.
Comment: This sequence change replaces glycine, which is neutral and non-polar, with arginine, which is basic and polar, at codon 938 of the EPG5 protein (p.Gly938Arg). This variant is present in population databases (rs773907627, gnomAD 0.01%). This variant has not been reported in the literature in individuals affected with EPG5-related conditions. ClinVar contains an entry for this variant (Variation ID: 661570). Invitae Evidence Modeling of protein sequence and biophysical properties (such as structural, functional, and spatial information, amino acid conservation, physicochemical variation, residue mobility, and thermodynamic stability) indicates that this missense variant is expected to disrupt EPG5 protein function with a positive predictive value of 80%. In summary, the available evidence is currently insufficient to determine the role of this variant in disease. Therefore, it has been classified as a Variant of Uncertain Significance.

NM_020964.3(EPG5):c.2812G>A (p.Gly938Arg)

Gene: EPG5 (ectopic P-granules 5 autophagy tethering factor; minus strand). Cytogenetic location: 18q21.1.
Variant type: single nucleotide variant.
Coding change: c.2812G>A on transcript NM_020964.3 (MANE Select); coding-DNA position 2812, G replaced by A.
Protein change: p.Gly938Arg; replaces glycine 938 with arginine.
Molecular consequence: missense variant.
Genome position (GRCh38, 1-based): chr18:45,923,294, C>T on the plus strand (G>A on the coding strand, the complement: EPG5 is on the minus strand). VCF-style: chr18-45923294-C-T. GRCh37 (hg19) VCF-style: chr18-43503260-C-T.
Other names: c.2812G>A, p.Gly938Arg (LRG_1234t1); short protein forms G938R.
Identifiers: ClinVar variation 661570 (VCV000661570.9), dbSNP rs773907627, ClinGen allele CA8949330.